The following is an entry in ClinVar:

NM_000530.8(MPZ):c.448+1G>T

Gene: MPZ (myelin protein zero; minus strand). Cytogenetic location: 1q23.3.
Variant type: single nucleotide variant.
Coding change: c.448+1G>T on transcript NM_000530.8 (MANE Select); the canonical splice donor site of the intron after coding-DNA position 448, G replaced by T.
Molecular consequence: splice donor variant.
Genome position (GRCh38, 1-based): chr1:161,306,707, C>A on the plus strand (G>T on the coding strand, the complement: MPZ is on the minus strand). VCF-style: chr1-161306707-C-A. GRCh37 (hg19) VCF-style: chr1-161276497-C-A.
Other names: c.448+1G>T (NM_001315491.2).
Identifiers: ClinVar variation 531697 (VCV000531697.10), dbSNP rs1407955132, ClinGen allele CA343348071.

ClinVar aggregate classification (germline): Likely pathogenic. Review status: criteria provided, multiple submitters, no conflicts (2 of 4 stars). 2 submissions from 2 submitters: Likely pathogenic (2). Last evaluated 2025-11-11.

Conditions:
Charcot-Marie-Tooth disease, type I (CMT1). Also called: Charcot-Marie-Tooth, Type 1; Charcot-Marie-Tooth disease type 1. Identifiers: Orphanet 65753, MedGen C0751036, MONDO:0019011.

Allele frequency attached by ClinVar (database versions not stated): TOPMed below 0.00001.

Submissions (2):

Labcorp Genetics (formerly Invitae), Labcorp
Classification: Likely pathogenic for Charcot-Marie-Tooth disease, type I. Last evaluated: 2025-11-11. Review status: criteria provided, single submitter. Criteria: Invitae Variant Classification Sherloc (09022015). Collection method: clinical testing. Allele origin: germline.
Comment: This sequence change affects a donor splice site in intron 3 of the MPZ gene. It is expected to disrupt RNA splicing. Variants that disrupt the donor or acceptor splice site typically lead to a loss of protein function (PMID: 16199547), and loss-of-function variants in MPZ are known to be pathogenic (PMID: 14711881). This variant is not present in population databases (gnomAD no frequency). Disruption of this splice site has been observed in individual(s) with Charcot-Marie-Tooth disease (internal data). ClinVar contains an entry for this variant (Variation ID: 531697). Algorithms developed to predict the effect of sequence changes on RNA splicing suggest that this variant may disrupt the consensus splice site. In summary, the currently available evidence indicates that the variant is pathogenic, but additional data are needed to prove that conclusively. Therefore, this variant has been classified as Likely Pathogenic.

Athena Diagnostics
Classification: Likely pathogenic. Last evaluated: 2020-12-08. Review status: criteria provided, single submitter. Criteria: Athena Diagnostics criteria. Collection method: clinical testing. Allele origin: unknown.
Comment: This variant is expected to severely impact normal RNA splicing, and consequently, protein structure and/or function. This variant has not been reported in large, multi-ethnic general populations.

Literature cited by the submitters: PubMed 16199547 (cited by Labcorp Genetics (formerly Invitae), Labcorp); PubMed 14711881 (cited by Labcorp Genetics (formerly Invitae), Labcorp).